The following is an entry in ClinVar:

ClinVar aggregate classification (germline): Uncertain significance (1 of 4 stars; one submission).

Submission:

Labcorp Genetics (formerly Invitae), Labcorp
Classification: Uncertain significance. Last evaluated: 2025-04-14. Review status: criteria provided, single submitter. Criteria: Invitae Variant Classification Sherloc (09022015). Collection method: clinical testing. Allele origin: germline.
Comment: This sequence change replaces cysteine, which is neutral and slightly polar, with phenylalanine, which is neutral and non-polar, at codon 3392 of the ZNF469 protein (p.Cys3392Phe). This variant is not present in population databases (gnomAD no frequency). This variant has not been reported in the literature in individuals affected with ZNF469-related conditions. An algorithm developed to predict the effect of missense changes on protein structure and function (PolyPhen-2) suggests that this variant is likely to be disruptive. In summary, the available evidence is currently insufficient to determine the role of this variant in disease. Therefore, it has been classified as a Variant of Uncertain Significance.

NM_001367624.2(ZNF469):c.10259G>T (p.Cys3420Phe)

Gene: ZNF469 (zinc finger protein 469; plus strand). Cytogenetic location: 16q24.2.
Variant type: single nucleotide variant.
Coding change: c.10259G>T on transcript NM_001367624.2 (MANE Select); coding-DNA position 10259, G replaced by T.
Protein change: p.Cys3420Phe; replaces cysteine 3420 with phenylalanine.
Molecular consequence: missense variant.
Genome position (GRCh38, 1-based): chr16:88,437,729, G>T. VCF-style: chr16-88437729-G-T. GRCh37 (hg19) VCF-style: chr16-88504137-G-T.
Other names: short protein forms C3420F.
Identifiers: ClinVar variation 4717523 (VCV004717523.1).